The following is an entry in ClinVar:

NM_015102.5(NPHP4):c.3453G>A (p.Pro1151=)

Gene: NPHP4 (nephrocystin 4; minus strand). Cytogenetic location: 1p36.31.
Variant type: single nucleotide variant.
Coding change: c.3453G>A on transcript NM_015102.5 (MANE Select); coding-DNA position 3453, G replaced by A.
Protein change: p.Pro1151=; no amino-acid change (proline 1151 retained).
Molecular consequence: synonymous variant. On other transcripts: non-coding transcript variant (1).
Genome position (GRCh38, 1-based): chr1:5,867,759, C>T on the plus strand (G>A on the coding strand, the complement: NPHP4 is on the minus strand). VCF-style: chr1-5867759-C-T. GRCh37 (hg19) VCF-style: chr1-5927819-C-T.
Other names: c.1914G>A, p.Pro638= (NM_001291593.2); c.1917G>A, p.Pro639= (NM_001291594.2).
Identifiers: ClinVar variation 3037065 (VCV003037065.2), dbSNP rs527773699, ClinGen allele CA553615.

ClinVar aggregate classification (germline): Likely benign (0 of 4 stars; one submission).

Conditions:
NPHP4-related disorder. Also called: NPHP4-related condition; NPHP4-related disorders. Identifiers: MedGen CN239384.

Allele frequency attached by ClinVar (database versions not stated): ExAC 0.00002; gnomAD 0.00002; 1000 Genomes Project 30x 0.00016; 1000 Genomes Project 0.00020.
gnomAD v4.1: 30 of 1,610,656 alleles (0.0019%); highest among the groups gnomAD compares: African/African-American, 0.004%; no homozygotes.

Submission:

PreventionGenetics, part of Exact Sciences
Classification: Likely benign for NPHP4-related condition. Last evaluated: 2021-05-10. Review status: no assertion criteria provided. Collection method: clinical testing. Allele origin: germline.
Comment: This variant is classified as likely benign based on ACMG/AMP sequence variant interpretation guidelines (Richards et al. 2015 PMID: 25741868, with internal and published modifications).